The following is an entry in ClinVar:

ClinVar aggregate classification (germline): Pathogenic. Review status: criteria provided, multiple submitters, no conflicts (2 of 4 stars). 2 submissions from 2 submitters: Pathogenic (2). Last evaluated 2023-06-21.

Conditions:
Neurofibromatosis, type 1 (NF1). Also called: Peripheral type neurofibromatosis; Neurofibromatosis, type I; VON RECKLINGHAUSEN DISEASE; NEUROFIBROMATOSIS, TYPE I, SOMATIC. Identifiers: Orphanet 636, MedGen C0027831, MONDO:0018975, OMIM 162200. Disease mechanism: loss of function.
Cardiovascular phenotype. Identifiers: MedGen CN230736.
Hereditary cancer-predisposing syndrome. Also called: Hereditary neoplastic syndrome; Tumor predisposition; Neoplastic Syndromes, Hereditary; Hereditary Cancer Syndrome. Identifiers: Orphanet 140162, MedGen C0027672, MeSH D009386, MONDO:0015356.

Submissions (2):

Institute of Medical Genetics and Applied Genomics, University Hospital Tübingen
Classification: Pathogenic for Neurofibromatosis, type 1. Last evaluated: 2023-06-21. Review status: criteria provided, single submitter. Criteria: ACMG Guidelines, 2015. Collection method: clinical testing. Allele origin: germline. Inheritance: Autosomal dominant inheritance. Affected: yes.

Ambry Genetics
Classification: Pathogenic for Cardiovascular phenotype; Hereditary cancer-predisposing syndrome. Last evaluated: 2023-01-26. Review status: criteria provided, single submitter. Criteria: Ambry Variant Classification Scheme 2023. Collection method: clinical testing. Allele origin: germline.
Comment: The c.1152dupT pathogenic mutation, located in coding exon 10 of the NF1 gene, results from a duplication of T at nucleotide position 1152, causing a translational frameshift with a predicted alternate stop codon (p.R385Sfs*11). This variant is considered to be rare based on population cohorts in the Genome Aggregation Database (gnomAD). This alteration is expected to result in loss of function by premature protein truncation or nonsense-mediated mRNA decay. As such, this alteration is interpreted as a disease-causing mutation.

NM_001042492.3(NF1):c.1152dup (p.Arg385fs)

Gene: NF1 (neurofibromin 1; plus strand). Cytogenetic location: 17q11.2.
Variant type: Duplication.
Coding change: c.1152dup on transcript NM_001042492.3 (MANE Select); coding-DNA position 1152, one base duplicated (T; older notation c.1152dupT).
Protein change: p.Arg385fs; shifts the reading frame from arginine 385.
Molecular consequence: frameshift variant.
Genome position (GRCh38, 1-based): chr17:31,201,126, T duplicated; the last of 3 consecutive T bases (chr17:31,201,124-31,201,126); duplicating any one gives the same sequence. VCF-style (leftmost placement, unchanged base first): chr17-31201123-C-CT. GRCh37 (hg19) VCF-style: chr17-29528141-C-CT.
Other names: c.1152dupT (NM_000267.3); c.1152dup, p.Arg385Serfs (NM_000267.4); c.1152dup, p.Arg385fs (NM_001128147.3); short protein forms R385fs.
Identifiers: ClinVar variation 2452259 (VCV002452259.3), dbSNP rs1135402803, ClinGen allele CA2580092927.